The following is an entry in ClinVar:

NM_152564.5(VPS13B):c.11338dup (p.Val3780fs)

Gene: VPS13B (vacuolar protein sorting 13 homolog B; plus strand). Cytogenetic location: 8q22.2.
Variant type: Duplication.
Coding change: c.11338dup on transcript NM_152564.5 (MANE Select); coding-DNA position 11338, one base duplicated (G; older notation c.11338dupG).
Protein change: p.Val3780fs; shifts the reading frame from valine 3780.
Molecular consequence: frameshift variant.
Genome position (GRCh38, 1-based): chr8:99,868,411, G duplicated; the last of 5 consecutive G bases (chr8:99,868,407-99,868,411); duplicating any one gives the same sequence. VCF-style (leftmost placement, unchanged base first): chr8-99868406-T-TG. GRCh37 (hg19) VCF-style: chr8-100880634-T-TG.
Other names: c.11413dup, p.Val3805fs (NM_017890.5); c.11413dupG (NM_017890.4); short protein forms V3805fs, V3780fs.
Identifiers: ClinVar variation 557835 (VCV000557835.10), dbSNP rs1554586953, ClinGen allele CA658821918.

ClinVar aggregate classification (germline): Pathogenic/Likely pathogenic. Review status: criteria provided, multiple submitters, no conflicts (2 of 4 stars). 3 submissions from 3 submitters: Pathogenic (1); Likely pathogenic (1). 1 of the submissions does not count toward it. Last evaluated 2022-07-05.

Conditions:
Cohen syndrome (COH1). Also called: Cutis verticis gyrata, retinitis pigmentosa, and sensorineural deafness; PEPPER SYNDROME. Identifiers: Orphanet 193, MedGen C0265223, MONDO:0008999, OMIM 216550.

Submissions (3):

Labcorp Genetics (formerly Invitae), Labcorp
Classification: Pathogenic for Cohen syndrome. Last evaluated: 2022-07-05. Review status: criteria provided, single submitter. Criteria: Invitae Variant Classification Sherloc (09022015). Collection method: clinical testing. Allele origin: germline.
Comment: This variant has not been reported in the literature in individuals affected with VPS13B-related conditions. For these reasons, this variant has been classified as Pathogenic. ClinVar contains an entry for this variant (Variation ID: 557835). This variant is not present in population databases (gnomAD no frequency). This sequence change creates a premature translational stop signal (p.Val3805Glyfs*11) in the VPS13B gene. It is expected to result in an absent or disrupted protein product. Loss-of-function variants in VPS13B are known to be pathogenic (PMID: 15141358, 16648375, 20461111).

Women's Health and Genetics/Laboratory Corporation of America, LabCorp
Classification: Likely pathogenic for Cohen syndrome. Last evaluated: 2022-03-16. Review status: criteria provided, single submitter. Criteria: LabCorp Variant Classification Summary - May 2015. Collection method: clinical testing. Allele origin: germline.
Comment: Variant summary: VPS13B c.11413dupG (p.Val3805GlyfsX11) results in a premature termination codon, predicted to cause a truncation of the encoded protein or absence of the protein due to nonsense mediated decay, which are commonly known mechanisms for disease. Truncations downstream of this position have been classified as pathogenic by our laboratory and have been reported in association with a phenotype of Cohen syndrome in the HGMD database. The variant was absent in 251374 control chromosomes. To our knowledge, no occurrence of c.11413dupG in individuals affected with Cohen Syndrome and no experimental evidence demonstrating its impact on protein function have been reported. Two clinical diagnostic laboratories have submitted clinical-significance assessments for this variant to ClinVar after 2014 without evidence for independent evaluation. All laboratories classified the variant as pathogenic/likely pathogenic. Based on the evidence outlined above, the variant was classified as likely pathogenic.

Counsyl
Classification: Likely pathogenic for Cohen syndrome. Last evaluated: 2018-04-09. Review status: no assertion criteria provided. Collection method: clinical testing. Allele origin: unknown. Not counted in ClinVar's aggregate classification.

Literature cited by the submitters: PubMed 15141358 (cited by Labcorp Genetics (formerly Invitae), Labcorp); PubMed 16648375 (cited by Labcorp Genetics (formerly Invitae), Labcorp); PubMed 20461111 (cited by Labcorp Genetics (formerly Invitae), Labcorp).